The following is an entry in ClinVar:

NM_017777.4(MKS1):c.1589-2A>G

Gene: MKS1 (MKS transition zone complex subunit 1; minus strand). Cytogenetic location: 17q22.
Variant type: single nucleotide variant.
Coding change: c.1589-2A>G on transcript NM_017777.4 (MANE Select); the canonical splice acceptor site of the intron before coding-DNA position 1589, A replaced by G.
Molecular consequence: splice acceptor variant.
Genome position (GRCh38, 1-based): chr17:58,206,172, T>C on the plus strand (A>G on the coding strand, the complement: MKS1 is on the minus strand). VCF-style: chr17-58206172-T-C. GRCh37 (hg19) VCF-style: chr17-56283533-T-C.
Other names: c.980-2A>G (NM_001321268.2); c.*1-2A>G (NM_001330397.2); c.1506-2A>G (NM_001321269.2).
Identifiers: ClinVar variation 1969640 (VCV001969640.5), dbSNP rs863225207, ClinGen allele CA400324332.

ClinVar aggregate classification (germline): Likely pathogenic (1 of 4 stars; one submission).

Conditions:
Joubert syndrome. Also called: CEREBELLOPARENCHYMAL DISORDER IV; JOUBERT-BOLTSHAUSER SYNDROME; Familial aplasia of the vermis. Identifiers: Orphanet 475, MedGen C5979921, MONDO:0018772.
Meckel-Gruber syndrome. Also called: DYSENCEPHALIA SPLANCHNOCYSTICA; GRUBER SYNDROME; Dysencephalia splachnocystica. Identifiers: Orphanet 564, MedGen C0265215, MONDO:0018921.

Submission:

Labcorp Genetics (formerly Invitae), Labcorp
Classification: Likely pathogenic for Joubert syndrome; Meckel-Gruber syndrome. Last evaluated: 2022-02-24. Review status: criteria provided, single submitter. Criteria: Invitae Variant Classification Sherloc (09022015). Collection method: clinical testing. Allele origin: germline.
Comment: Variants that disrupt the consensus splice site are a relatively common cause of aberrant splicing (PMID: 17576681, 9536098). Algorithms developed to predict the effect of sequence changes on RNA splicing suggest that this variant may disrupt the consensus splice site. Disruption of this splice site has been observed in individual(s) with clinical features of Joubert syndrome (PMID: 26092869, 26490104). In summary, the currently available evidence indicates that the variant is pathogenic, but additional data are needed to prove that conclusively. Therefore, this variant has been classified as Likely Pathogenic. This sequence change affects an acceptor splice site in intron 17 of the MKS1 gene. While this variant is not anticipated to result in nonsense mediated decay, it likely alters RNA splicing and results in a disrupted protein product. This variant is not present in population databases (gnomAD no frequency).

Literature cited by the submitters: PubMed 17576681; PubMed 9536098; PubMed 26092869; PubMed 26490104.